The following is an entry in ClinVar:

ClinVar aggregate classification (germline): Likely pathogenic. Review status: criteria provided, multiple submitters, no conflicts (2 of 4 stars). 2 submissions from 2 submitters: Likely pathogenic (2). Last evaluated 2025-09-14.

Conditions:
Alport syndrome. Also called: Hemorrhagic familial nephritis; Hemorrhagic hereditary nephritis; Congenital hereditary hematuria. Identifiers: Orphanet 63, MedGen C1567741, MONDO:0018965.
Autosomal recessive Alport syndrome (ATS2). Also called: COL4A4 Alport Syndrome and Thin Basement Membrane Nephropathy; Alport syndrome type 2; ALPORT SYNDROME 2, AUTOSOMAL RECESSIVE; COL4A3-Related Nephropathy. Identifiers: Orphanet 63, Orphanet 88919, MedGen C4746745, MONDO:0008762, OMIM 203780.
Hematuria, benign familial, 1 (BFH1). Also called: THIN MEMBRANE NEPHROPATHY. Identifiers: MedGen CN376803, MONDO:0007709, OMIM 141200.

Submissions (2):

Natera, Inc.
Classification: Likely pathogenic for Alport syndrome. Last evaluated: 2025-09-14. Review status: criteria provided, single submitter. Criteria: Natera Variant Classification Schema (03/2026). Collection method: clinical testing. Allele origin: germline.
Comment: The c.194G>T variant in COL4A4 is a missense variant predicted to cause substitution of glycine to valine at amino acid 65. This variant is rare in the general population with a frequency below the threshold expected for the associated phenotype(s). This variant is located in a functionally critical region of the protein. Computational prediction algorithms indicate this variant is likely to affect gene or protein function. Given the available evidence, this variant is classified as Likely Pathogenic.

Fulgent Genetics
Classification: Likely pathogenic for Hematuria, benign familial, 1; Autosomal recessive Alport syndrome. Last evaluated: 2024-04-15. Review status: criteria provided, single submitter. Criteria: ACMG Guidelines, 2015. Collection method: clinical testing. Allele origin: germline.

NM_000092.5(COL4A4):c.194G>T (p.Gly65Val)

Gene: COL4A4 (collagen type IV alpha 4 chain; minus strand). Cytogenetic location: 2q36.3.
Variant type: single nucleotide variant.
Coding change: c.194G>T on transcript NM_000092.5 (MANE Select); coding-DNA position 194, G replaced by T.
Protein change: p.Gly65Val; replaces glycine 65 with valine.
Molecular consequence: missense variant.
Genome position (GRCh38, 1-based): chr2:227,121,147, C>A on the plus strand (G>T on the coding strand, the complement: COL4A4 is on the minus strand). VCF-style: chr2-227121147-C-A. GRCh37 (hg19) VCF-style: chr2-227985863-C-A.
Other names: short protein forms G65V.
Identifiers: ClinVar variation 3585952 (VCV003585952.2).